The following is an entry in ClinVar:

ClinVar aggregate classification (germline): Uncertain significance (1 of 4 stars; one submission).

Conditions:
Muscular dystrophy-dystroglycanopathy (congenital with brain and eye anomalies), type a, 8 (MDDGA8). Also called: WALKER-WARBURG SYNDROME OR MUSCLE-EYE-BRAIN DISEASE, GTDC2-RELATED. Identifiers: Orphanet 899, MedGen C3553813, MONDO:0013904, OMIM 614830.

Submission:

Labcorp Genetics (formerly Invitae), Labcorp
Classification: Uncertain significance for Muscular dystrophy-dystroglycanopathy (congenital with brain and eye anomalies), type a, 8. Last evaluated: 2022-05-17. Review status: criteria provided, single submitter. Criteria: Invitae Variant Classification Sherloc (09022015). Collection method: clinical testing. Allele origin: germline.
Comment: This sequence change replaces leucine, which is neutral and non-polar, with proline, which is neutral and non-polar, at codon 57 of the POMGNT2 protein (p.Leu57Pro). This variant is not present in population databases (gnomAD no frequency). This variant has not been reported in the literature in individuals affected with POMGNT2-related conditions. Algorithms developed to predict the effect of missense changes on protein structure and function (SIFT, PolyPhen-2, Align-GVGD) all suggest that this variant is likely to be disruptive. In summary, the available evidence is currently insufficient to determine the role of this variant in disease. Therefore, it has been classified as a Variant of Uncertain Significance.

NM_032806.6(POMGNT2):c.170T>C (p.Leu57Pro)

Gene: POMGNT2 (protein O-linked mannose N-acetylglucosaminyltransferase 2 (beta 1,4-); minus strand). Cytogenetic location: 3p22.1.
Variant type: single nucleotide variant.
Coding change: c.170T>C on transcript NM_032806.6 (MANE Select); coding-DNA position 170, T replaced by C.
Protein change: p.Leu57Pro; replaces leucine 57 with proline.
Molecular consequence: missense variant.
Genome position (GRCh38, 1-based): chr3:43,081,262, A>G on the plus strand (T>C on the coding strand, the complement: POMGNT2 is on the minus strand). VCF-style: chr3-43081262-A-G. GRCh37 (hg19) VCF-style: chr3-43122754-A-G.
Other names: short protein forms L57P.
Identifiers: ClinVar variation 1962453 (VCV001962453.5), dbSNP rs2089852715, ClinGen allele CA352303799.